The following is an entry in ClinVar:

NM_000287.4(PEX6):c.647G>T (p.Gly216Val)

Gene: PEX6 (peroxisomal biogenesis factor 6; minus strand). Cytogenetic location: 6p21.1.
Variant type: single nucleotide variant.
Coding change: c.647G>T on transcript NM_000287.4 (MANE Select); coding-DNA position 647, G replaced by T.
Protein change: p.Gly216Val; replaces glycine 216 with valine.
Molecular consequence: missense variant. On other transcripts: non-coding transcript variant (1), intron variant (1).
Genome position (GRCh38, 1-based): chr6:42,978,504, C>A on the plus strand (G>T on the coding strand, the complement: PEX6 is on the minus strand). VCF-style: chr6-42978504-C-A. GRCh37 (hg19) VCF-style: chr6-42946242-C-A.
Other names: c.618+29G>T (NM_001316313.2); short protein forms G216V.
Identifiers: ClinVar variation 3253007 (VCV003253007.1), dbSNP rs2481277581.

ClinVar aggregate classification (germline): Uncertain significance (1 of 4 stars; one submission).

Submission:

GeneDx
Classification: Uncertain significance. Last evaluated: 2023-12-10. Review status: criteria provided, single submitter. Criteria: GeneDx Variant Classification Process June 2021. Collection method: clinical testing. Allele origin: germline. Affected: yes.
Comment: Has not been previously published as pathogenic or benign to our knowledge; Not observed at significant frequency in large population cohorts (gnomAD); In silico analysis supports that this missense variant has a deleterious effect on protein structure/function